The following is an entry in ClinVar:

NM_006118.4(HAX1):c.505-4G>A

Gene: HAX1 (HCLS1 associated protein X-1; plus strand). Cytogenetic location: 1q21.3.
Variant type: single nucleotide variant.
Coding change: c.505-4G>A on transcript NM_006118.4 (MANE Select); 4 bases into the intron before coding-DNA position 505, G replaced by A.
Molecular consequence: intron variant.
Genome position (GRCh38, 1-based): chr1:154,274,946, G>A. VCF-style: chr1-154274946-G-A. GRCh37 (hg19) VCF-style: chr1-154247422-G-A.
Other names: c.361-4G>A (NM_001018837.2).
Identifiers: ClinVar variation 792260 (VCV000792260.20), dbSNP rs186219647, ClinGen allele CA1127372.

ClinVar aggregate classification (germline): Conflicting classifications of pathogenicity. Review status: criteria provided, conflicting classifications (1 of 4 stars). 5 submissions from 5 submitters: Uncertain significance (1); Likely benign (2). 2 of the submissions do not count toward it. Last evaluated 2026-01-28.

Conditions:
HAX1-related disorder. Also called: HAX1-related condition.
Kostmann syndrome (SCN3). Also called: KOSTMANN DISEASE; Autosomal recessive severe congenital neutropenia type 3. Identifiers: Orphanet 99749, MedGen C5235141, MONDO:0012548, OMIM 610738.

Allele frequency attached by ClinVar (database versions not stated): gnomAD 0.00010 and 0.00013; ESP Exome Variant Server 0.00015; gnomAD exomes 0.00016; 1000 Genomes Project 0.00060; TOPMed 0.00016; ExAC 0.00017; 1000 Genomes Project 30x 0.00047.
gnomAD v4.1: 190 of 1,606,882 alleles (0.012%); highest among the groups gnomAD compares: Admixed American, 0.055%; 2 homozygotes.

Submissions (5):

Labcorp Genetics (formerly Invitae), Labcorp
Classification: Likely benign for Kostmann syndrome. Last evaluated: 2026-01-28. Review status: criteria provided, single submitter. Criteria: Invitae Variant Classification Sherloc (09022015). Collection method: clinical testing. Allele origin: germline.

Blueprint Genetics
Classification: Likely benign. Last evaluated: 2024-09-13. Review status: criteria provided, single submitter. Criteria: ACMG Guidelines, 2015. Collection method: clinical testing. Allele origin: germline.

Illumina Laboratory Services, Illumina
Classification: Uncertain significance for Kostmann syndrome. Last evaluated: 2018-01-13. Review status: criteria provided, single submitter. Criteria: ICSL Variant Classification Criteria 13 December 2019. Collection method: clinical testing. Allele origin: germline.

Natera, Inc.
Classification: Likely benign for Autosomal recessive severe congenital neutropenia type 3. Last evaluated: 2020-06-18. Review status: no assertion criteria provided. Collection method: clinical testing. Allele origin: germline. Not counted in ClinVar's aggregate classification.

PreventionGenetics, part of Exact Sciences
Classification: Likely benign for HAX1-related condition. Last evaluated: 2019-07-01. Review status: no assertion criteria provided. Collection method: clinical testing. Allele origin: germline. Not counted in ClinVar's aggregate classification.
Comment: This variant is classified as likely benign based on ACMG/AMP sequence variant interpretation guidelines (Richards et al. 2015 PMID: 25741868, with internal and published modifications).